The following is an entry in ClinVar:

ClinVar aggregate classification (germline): Uncertain significance (1 of 4 stars; one submission).

Conditions:
Arrhythmogenic cardiomyopathy with wooly hair and keratoderma. Also called: Carvajal syndrome; Arrhythmogenic cardiomyopathy with woolly hair and keratoderma; Dilated cardiomyopathy with woolly hair and keratoderma; PALMOPLANTAR KERATODERMA WITH LEFT VENTRICULAR CARDIOMYOPATHY AND WOOLLY HAIR. Identifiers: Orphanet 65282, MedGen C1854063, MONDO:0011581, OMIM 605676.
Arrhythmogenic right ventricular dysplasia 8 (ARVD8). Also called: ARRHYTHMOGENIC RIGHT VENTRICULAR DYSPLASIA, FAMILIAL, 8; Arrhythmogenic Right Ventricular Dysplasia/Cardiomyopathy 8; ARRHYTHMOGENIC RIGHT VENTRICULAR CARDIOMYOPATHY 8. Identifiers: MedGen C1843896, MONDO:0011831, OMIM 607450.

Submission:

Labcorp Genetics (formerly Invitae), Labcorp
Classification: Uncertain significance for Arrhythmogenic cardiomyopathy with wooly hair and keratoderma; Arrhythmogenic right ventricular dysplasia 8. Last evaluated: 2024-09-28. Review status: criteria provided, single submitter. Criteria: Invitae Variant Classification Sherloc (09022015). Collection method: clinical testing. Allele origin: germline.
Comment: This sequence change replaces asparagine, which is neutral and polar, with serine, which is neutral and polar, at codon 1893 of the DSP protein (p.Asn1893Ser). This variant is not present in population databases (gnomAD no frequency). This variant has not been reported in the literature in individuals affected with DSP-related conditions. ClinVar contains an entry for this variant (Variation ID: 1476140). An algorithm developed to predict the effect of missense changes on protein structure and function (PolyPhen-2) suggests that this variant is likely to be tolerated. In summary, the available evidence is currently insufficient to determine the role of this variant in disease. Therefore, it has been classified as a Variant of Uncertain Significance.

NM_004415.4(DSP):c.5678A>G (p.Asn1893Ser)

Gene: DSP (desmoplakin; plus strand). Cytogenetic location: 6p24.3.
Variant type: single nucleotide variant.
Coding change: c.5678A>G on transcript NM_004415.4 (MANE Select); coding-DNA position 5678, A replaced by G.
Protein change: p.Asn1893Ser; replaces asparagine 1893 with serine.
Molecular consequence: missense variant.
Genome position (GRCh38, 1-based): chr6:7,582,940, A>G. VCF-style: chr6-7582940-A-G. GRCh37 (hg19) VCF-style: chr6-7583173-A-G.
Other names: c.3881A>G, p.Asn1294Ser (NM_001008844.3); c.4349A>G, p.Asn1450Ser (NM_001319034.2); short protein forms N1450S, N1294S, N1893S.
Identifiers: ClinVar variation 1476140 (VCV001476140.6), dbSNP rs2113698496, ClinGen allele CA362689169.